The following is an entry in ClinVar:

NM_000426.4(LAMA2):c.2811T>A (p.Cys937Ter)

Gene: LAMA2 (laminin subunit alpha 2; plus strand). Cytogenetic location: 6q22.33.
Variant type: single nucleotide variant.
Coding change: c.2811T>A on transcript NM_000426.4 (MANE Select); coding-DNA position 2811, T replaced by A.
Protein change: p.Cys937Ter; replaces cysteine 937 with a stop codon.
Molecular consequence: nonsense.
Genome position (GRCh38, 1-based): chr6:129,291,675, T>A. VCF-style: chr6-129291675-T-A. GRCh37 (hg19) VCF-style: chr6-129612820-T-A.
Other names: c.2811T>A, p.Cys937Ter (NM_001079823.2); short protein forms C937*.
Identifiers: ClinVar variation 1724112 (VCV001724112.3), dbSNP rs2482308531, ClinGen allele CA365610791.

ClinVar aggregate classification (germline): Likely pathogenic (1 of 4 stars; one submission).

Conditions:
LAMA2-related muscular dystrophy (LAMA2-RD). Also called: Laminin alpha 2-related dystrophy. Identifiers: MedGen C5679788, MONDO:0100228.

Submission:

Myriad Genetics, Inc.
Classification: Likely pathogenic for LAMA2-related muscular dystrophy. Last evaluated: 2022-01-25. Review status: criteria provided, single submitter. Criteria: Myriad Autosomal Dominant, Autosomal Recessive and X-Linked Classification Criteria (2023). Collection method: clinical testing. Allele origin: unknown.
Comment: NM_000426.3(LAMA2):c.2811T>A(C937*) is expected to be pathogenic in the context of muscular dystrophy, LAMA2-related. This variant is predicted to lead to an abnormal or absent protein product due to the creation of a premature termination codon in LAMA2, a gene where loss-of-function variants are known to be pathogenic. Please note: this variant was assessed in the context of healthy population screening.